The following is an entry in ClinVar:

NC_000006.11:g.(?_7567563)_(7584301_?)del

Gene: DSP (desmoplakin; plus strand). Cytogenetic location: 6p24.3.
Variant type: Deletion.
Identifiers: ClinVar variation 2425108 (VCV002425108.7).

ClinVar aggregate classification (germline): Pathogenic (1 of 4 stars; one submission).

Conditions:
Arrhythmogenic right ventricular dysplasia 8 (ARVD8). Also called: Arrhythmogenic Right Ventricular Dysplasia/Cardiomyopathy 8; ARRHYTHMOGENIC RIGHT VENTRICULAR DYSPLASIA, FAMILIAL, 8; ARRHYTHMOGENIC RIGHT VENTRICULAR CARDIOMYOPATHY 8. Identifiers: MedGen C1843896, MONDO:0011831, OMIM 607450.
Arrhythmogenic cardiomyopathy with wooly hair and keratoderma. Also called: Carvajal syndrome; PALMOPLANTAR KERATODERMA WITH LEFT VENTRICULAR CARDIOMYOPATHY AND WOOLLY HAIR; Dilated cardiomyopathy with woolly hair and keratoderma; Arrhythmogenic cardiomyopathy with woolly hair and keratoderma. Identifiers: Orphanet 65282, MedGen C1854063, MONDO:0011581, OMIM 605676.

Submission:

Labcorp Genetics (formerly Invitae), Labcorp
Classification: Pathogenic for Arrhythmogenic cardiomyopathy with wooly hair and keratoderma; Arrhythmogenic right ventricular dysplasia 8. Last evaluated: 2023-03-27. Review status: criteria provided, single submitter. Criteria: Invitae Variant Classification Sherloc (09022015). Collection method: clinical testing. Allele origin: germline.
Comment: For these reasons, this variant has been classified as Pathogenic. This variant disrupts a region of the DSP protein in which other variant(s) (p.Arg451Gly) have been determined to be pathogenic (PMID: 31194698; Invitae). This suggests that this is a clinically significant region of the protein, and that variants that disrupt it are likely to be disease-causing. Variants that disrupt the consensus splice site are a relatively common cause of aberrant splicing (PMID: 17576681, 9536098). This variant has not been reported in the literature in individuals affected with DSP-related conditions. This variant results in the deletion of exons 9-23 and part of exon 24 (c.1045-24_6806del) of the DSP gene. While this variant is not anticipated to result in nonsense mediated decay, it likely alters RNA splicing and results in a disrupted protein product.

Literature cited by the submitters: PubMed 31194698; PubMed 17576681; PubMed 9536098.